The following is an entry in ClinVar:

NM_001267550.2(TTN):c.2998C>T (p.Leu1000Phe)

Gene: TTN (titin; minus strand). Cytogenetic location: 2q31.2.
Variant type: single nucleotide variant.
Coding change: c.2998C>T on transcript NM_001267550.2 (MANE Select); coding-DNA position 2998, C replaced by T.
Protein change: p.Leu1000Phe; replaces leucine 1000 with phenylalanine.
Molecular consequence: missense variant.
Genome position (GRCh38, 1-based): chr2:178,782,908, G>A on the plus strand (C>T on the coding strand, the complement: TTN is on the minus strand). VCF-style: chr2-178782908-G-A. GRCh37 (hg19) VCF-style: chr2-179647635-G-A.
Other names: c.2860C>T, p.Leu954Phe (NM_003319.4, NM_133432.3, NM_133437.4); c.2998C>T, p.Leu1000Phe (NM_133378.4, NM_133379.5, NM_001256850.1); c.2998C>T (NM_001267550.1); short protein forms L1000F, L954F.
Identifiers: ClinVar variation 282312 (VCV000282312.13), dbSNP rs140953779, ClinGen allele CA2005669.
Genomic context (GRCh38, chr2:178,782,908, plus strand): 5'-CATTTACAGCACTGCAAGTAAATCGCCCGCTGTCTTCCGCAAATGCTTCGCGAATCATAA[G>A]ACGAGCAATTCCACTCTGGAAGGTTATCTGGAAGTCAATGGAACTTTCGATTTGGTAGTC-3'
Protein context (NP_001254479.2, residues 990-1010): QITFQSGIAR[Leu1000Phe]MIREAFAEDS

ClinVar aggregate classification (germline): Conflicting classifications of pathogenicity. Review status: criteria provided, conflicting classifications (1 of 4 stars). 7 submissions from 7 submitters: Uncertain significance (6); Likely benign (1). Last evaluated 2026-05-01.

Conditions:
Cardiovascular phenotype. Identifiers: MedGen CN230736.
TTN-related disorder. Also called: TTN-related condition; TTN-related disease; TTN-related disorders.

Allele frequency attached by ClinVar (database versions not stated): gnomAD exomes 0.00001 and 0.00004; ExAC 0.00003; gnomAD 0.00003; TOPMed 0.00009; ESP Exome Variant Server 0.00015; 1000 Genomes Project 30x 0.00016; 1000 Genomes Project 0.00020.
gnomAD v4.1: 11 of 1,614,094 alleles (0.00068%); highest among the groups gnomAD compares: African/African-American, 0.013%; no homozygotes.

Submissions (7):

Women's Health and Genetics/Laboratory Corporation of America, LabCorp
Classification: Uncertain significance. Last evaluated: 2026-05-01. Review status: criteria provided, single submitter. Criteria: LabCorp Variant Classification Summary - May 2015. Collection method: clinical testing. Allele origin: germline.
Comment: Variant summary: TTN c.2998C>T (p.Leu1000Phe) results in a non-conservative amino acid change in the encoded protein sequence. Algorithms developed to predict the effect of missense changes on protein structure and function are either unavailable or do not agree on the potential impact of this missense change. The variant allele was found at a frequency of 3.6e-05 in 250880 control chromosomes (gnomAD). The available data on variant occurrences in the general population are insufficient to allow any conclusion about variant significance. To our knowledge, no occurrence of c.2998C>T in individuals affected with TTN-related conditions and no experimental evidence demonstrating its impact on protein function have been reported. ClinVar contains an entry for this variant (Variation ID: 282312). Based on the evidence outlined above, the variant was classified as uncertain significance.

PreventionGenetics, part of Exact Sciences
Classification: Uncertain significance for TTN-related condition. Last evaluated: 2025-08-15. Review status: criteria provided, single submitter. Criteria: ACMG Guidelines, 2015. Collection method: clinical testing. Allele origin: germline.
Comment: The TTN c.2998C>T variant is predicted to result in the amino acid substitution p.Leu1000Phe. To our knowledge, this variant has not been reported in the literature. This variant is reported in 0.040% of alleles in individuals of African descent in gnomAD. At this time, the clinical significance of this variant is uncertain due to the absence of conclusive functional and genetic evidence.

Athena Diagnostics
Classification: Uncertain significance. Last evaluated: 2022-10-07. Review status: criteria provided, single submitter. Criteria: Athena Diagnostics Criteria. Collection method: clinical testing. Allele origin: unknown.
Comment: Available data are insufficient to determine the clinical significance of the variant at this time. The frequency of this variant in the general population is higher than would generally be expected for pathogenic variants in this gene. Computational tools disagree on the variant's effect on normal protein function.

Revvity Omics, Revvity
Classification: Uncertain significance. Last evaluated: 2020-06-23. Review status: criteria provided, single submitter. Criteria: ACMG Guidelines, 2015. Collection method: clinical testing. Allele origin: germline.

Ambry Genetics
Classification: Uncertain significance for Cardiovascular phenotype. Last evaluated: 2020-01-30. Review status: criteria provided, single submitter. Criteria: Ambry Variant Classification Scheme 2023. Collection method: clinical testing. Allele origin: germline.
Comment: The p.L954F variant (also known as c.2860C>T), located in coding exon 16 of the TTN gene, results from a C to T substitution at nucleotide position 2860. The leucine at codon 954 is replaced by phenylalanine, an amino acid with highly similar properties. This amino acid position is highly conserved in available vertebrate species. In addition, the in silico prediction for this alteration is inconclusive. Since supporting evidence is limited at this time, the clinical significance of this alteration remains unclear.

GeneDx
Classification: Likely benign. Last evaluated: 2017-09-07. Review status: criteria provided, single submitter. Criteria: GeneDx Variant Classification (06012015). Collection method: clinical testing. Allele origin: germline. Affected: yes.
Comment: This variant is considered likely benign or benign based on one or more of the following criteria: it is a conservative change, it occurs at a poorly conserved position in the protein, it is predicted to be benign by multiple in silico algorithms, and/or has population frequency not consistent with disease.

Eurofins Ntd Llc (ga)
Classification: Uncertain significance. Last evaluated: 2015-08-12. Review status: criteria provided, single submitter. Criteria: EGL Classification Definitions 2015. Collection method: clinical testing. Allele origin: germline. Observed: 2 variant alleles, 1 heterozygote.